The following is an entry in ClinVar:

NM_015057.5(MYCBP2):c.2747G>T (p.Gly916Val)

Gene: MYCBP2 (MYC binding protein 2; minus strand). Cytogenetic location: 13q22.3.
Variant type: single nucleotide variant.
Coding change: c.2747G>T on transcript NM_015057.5 (MANE Select); coding-DNA position 2747, G replaced by T.
Protein change: p.Gly916Val; replaces glycine 916 with valine.
Molecular consequence: missense variant.
Genome position (GRCh38, 1-based): chr13:77,225,545, C>A on the plus strand (G>T on the coding strand, the complement: MYCBP2 is on the minus strand). VCF-style: chr13-77225545-C-A. GRCh37 (hg19) VCF-style: chr13-77799680-C-A.
Other names: short protein forms G916V.
Identifiers: ClinVar variation 5018416 (VCV005018416.1).

ClinVar aggregate classification (germline): Uncertain significance (1 of 4 stars; one submission).

Submission:

GeneDx
Classification: Uncertain significance. Last evaluated: 2026-04-11. Review status: criteria provided, single submitter. Criteria: GeneDx Variant Classification Process June 2021. Collection method: clinical testing. Allele origin: germline.
Comment: Not observed at significant frequency in large population cohorts (gnomAD); In silico analysis suggests that this missense variant does not alter protein structure/function; Has not been previously published as pathogenic or benign to our knowledge